The following is an entry in ClinVar:

NM_024747.6(HPS6):c.254C>T (p.Pro85Leu)

Genes: HPS6 (HPS6 biogenesis of lysosomal organelles complex 2 subunit 3; plus strand), LOC130004578 (ATAC-STARR-seq lymphoblastoid silent region 2738; plus strand). Cytogenetic location: 10q24.32.
Variant type: single nucleotide variant.
Coding change: c.254C>T on transcript NM_024747.6 (MANE Select); coding-DNA position 254, C replaced by T.
Protein change: p.Pro85Leu; replaces proline 85 with leucine.
Molecular consequence: missense variant.
Genome position (GRCh38, 1-based): chr10:102,065,728, C>T. VCF-style: chr10-102065728-C-T. GRCh37 (hg19) VCF-style: chr10-103825485-C-T.
Other names: short protein forms P85L.
Identifiers: ClinVar variation 435463 (VCV000435463.31), dbSNP rs544314793, ClinGen allele CA5659769.

ClinVar aggregate classification (germline): Uncertain significance. Review status: criteria provided, multiple submitters, no conflicts (2 of 4 stars). 7 submissions from 7 submitters: Uncertain significance (6). 1 of the submissions does not count toward it. Last evaluated 2026-03-17.

Conditions:
HPS6-related disorder. Also called: HPS6-related condition.
Hermansky-Pudlak syndrome 6 (HPS6). Identifiers: Orphanet 231512, Orphanet 79430, MedGen C3888007, MONDO:0013558, OMIM 614075.

Allele frequency attached by ClinVar (database versions not stated): TOPMed 0.00010.

Submissions (7):

PreventionGenetics, part of Exact Sciences
Classification: Uncertain significance for HPS6-related condition. Last evaluated: 2026-03-17. Review status: criteria provided, single submitter. Criteria: ACMG Guidelines, 2015. Collection method: clinical testing. Allele origin: germline.
Comment: The HPS6 c.254C>T variant is predicted to result in the amino acid substitution p.Pro85Leu. To our knowledge, this variant has not been reported in the literature. This variant is reported in 0.11% of alleles in individuals of Ashkenazi Jewish descent in gnomAD. Although we suspect that this variant may be benign, at this time, the clinical significance of this variant is uncertain due to the absence of conclusive functional and genetic evidence.

Women's Health and Genetics/Laboratory Corporation of America, LabCorp
Classification: Uncertain significance. Last evaluated: 2024-12-19. Review status: criteria provided, single submitter. Criteria: LabCorp Variant Classification Summary - May 2015. Collection method: clinical testing. Allele origin: germline.
Comment: Variant summary: HPS6 c.254C>T (p.Pro85Leu) results in a non-conservative amino acid change in the encoded protein sequence. Three of five in-silico tools predict a damaging effect of the variant on protein function. The variant allele was found at a frequency of 0.00034 in 100116 control chromosomes. This frequency is not significantly higher than estimated for a pathogenic variant in HPS6 causing Hermansky-Pudlak Syndrome (0.00034 vs 0.00063), allowing no conclusion about variant significance. To our knowledge, no occurrence of c.254C>T in individuals affected with Hermansky-Pudlak Syndrome and no experimental evidence demonstrating its impact on protein function have been reported. ClinVar contains an entry for this variant (Variation ID: 435463). Based on the evidence outlined above, the variant was classified as uncertain significance.

CeGaT Center for Human Genetics Tuebingen
Classification: Uncertain significance. Last evaluated: 2024-05-01. Review status: criteria provided, single submitter. Criteria: CeGaT Center For Human Genetics Tuebingen Variant Classification Criteria Version 2. Collection method: clinical testing. Allele origin: germline. Affected: yes. Observed: 1 variant allele.
Comment: HPS6: PM2:Supporting

Labcorp Genetics (formerly Invitae), Labcorp
Classification: Uncertain significance. Last evaluated: 2022-09-27. Review status: criteria provided, single submitter. Criteria: Invitae Variant Classification Sherloc (09022015). Collection method: clinical testing. Allele origin: germline.
Comment: This sequence change replaces proline, which is neutral and non-polar, with leucine, which is neutral and non-polar, at codon 85 of the HPS6 protein (p.Pro85Leu). This variant is present in population databases (rs544314793, gnomAD 0.1%). This variant has not been reported in the literature in individuals affected with HPS6-related conditions. ClinVar contains an entry for this variant (Variation ID: 435463). Advanced modeling of protein sequence and biophysical properties (such as structural, functional, and spatial information, amino acid conservation, physicochemical variation, residue mobility, and thermodynamic stability) performed at Invitae indicates that this missense variant is not expected to disrupt HPS6 protein function. In summary, the available evidence is currently insufficient to determine the role of this variant in disease. Therefore, it has been classified as a Variant of Uncertain Significance.

Fulgent Genetics
Classification: Uncertain significance for Hermansky-Pudlak syndrome 6. Last evaluated: 2022-02-28. Review status: criteria provided, single submitter. Criteria: ACMG Guidelines, 2015. Collection method: clinical testing. Allele origin: unknown.

Genetic Services Laboratory, University of Chicago
Classification: Uncertain significance. Last evaluated: 2017-03-31. Review status: criteria provided, single submitter. Criteria: ACMG Guidelines, 2015. Collection method: clinical testing. Allele origin: germline. Affected: no.

Zotz-Klimas Genetics Lab, MVZ Zotz Klimas
Classification: Uncertain significance for Hermansky-Pudlak syndrome 6. Last evaluated: 2023-11-24. Review status: no assertion criteria provided. Collection method: clinical testing. Allele origin: germline. Affected: yes. Not counted in ClinVar's aggregate classification.